The following is an entry in ClinVar:

ClinVar aggregate classification (germline): Uncertain significance. Review status: criteria provided, multiple submitters, no conflicts (2 of 4 stars). 2 submissions from 2 submitters: Uncertain significance (2). Last evaluated 2024-08-18.

Conditions:
Congenital contractural arachnodactyly (CCA). Also called: Arthrogryposis, distal, type 9; BEALS SYNDROME; Beals-Hecht syndrome. Identifiers: Orphanet 115, MedGen C0220668, MONDO:0007363, OMIM 121050.

Allele frequency attached by ClinVar (database versions not stated): gnomAD exomes below 0.00001; TOPMed below 0.00001; ExAC 0.00001; gnomAD 0.00001.

Submissions (2):

Labcorp Genetics (formerly Invitae), Labcorp
Classification: Uncertain significance for Congenital contractural arachnodactyly. Last evaluated: 2024-08-18. Review status: criteria provided, single submitter. Criteria: Invitae Variant Classification Sherloc (09022015). Collection method: clinical testing. Allele origin: germline.
Comment: This sequence change replaces aspartic acid, which is acidic and polar, with glycine, which is neutral and non-polar, at codon 1451 of the FBN2 protein (p.Asp1451Gly). This variant is present in population databases (rs766483687, gnomAD 0.0009%). This variant has not been reported in the literature in individuals affected with FBN2-related conditions. ClinVar contains an entry for this variant (Variation ID: 1310419). Invitae Evidence Modeling of protein sequence and biophysical properties (such as structural, functional, and spatial information, amino acid conservation, physicochemical variation, residue mobility, and thermodynamic stability) indicates that this missense variant is expected to disrupt FBN2 protein function with a positive predictive value of 80%. In summary, the available evidence is currently insufficient to determine the role of this variant in disease. Therefore, it has been classified as a Variant of Uncertain Significance.

GeneDx
Classification: Uncertain significance. Last evaluated: 2019-11-21. Review status: criteria provided, single submitter. Criteria: GeneDx Variant Classification Process June 2021. Collection method: clinical testing. Allele origin: germline. Affected: yes.
Comment: Has not been previously published as pathogenic or benign to our knowledge; Not observed at a significant frequency in large population cohorts (Lek et al., 2016); In silico analysis, which includes protein predictors and evolutionary conservation, supports a deleterious effect; In silico analysis, which includes splice predictors and evolutionary conservation, suggests this variant may impact gene splicing; however, in the absence of RNA/functional studies, the actual effect of this sequence change is unknown.; Although located in a calcium-binding EGF-like domain of the FBN2 gene, it does not affect a cysteine residue within this domain; cysteine substitutions in the calcium-binding EGF-like domains represent the majority of pathogenic missense changes associated with FBN2-related disorders (Frederic et al., 2009)

NM_001999.4(FBN2):c.4352A>G (p.Asp1451Gly)

Gene: FBN2 (fibrillin 2; minus strand). Cytogenetic location: 5q23.3.
Variant type: single nucleotide variant.
Coding change: c.4352A>G on transcript NM_001999.4 (MANE Select); coding-DNA position 4352, A replaced by G.
Protein change: p.Asp1451Gly; replaces aspartic acid 1451 with glycine.
Molecular consequence: missense variant.
Genome position (GRCh38, 1-based): chr5:128,328,815, T>C on the plus strand (A>G on the coding strand, the complement: FBN2 is on the minus strand). VCF-style: chr5-128328815-T-C. GRCh37 (hg19) VCF-style: chr5-127664507-T-C.
Other names: short protein forms D1451G.
Identifiers: ClinVar variation 1310419 (VCV001310419.7), dbSNP rs766483687, ClinGen allele CA3394979.